The following is an entry in ClinVar:

ClinVar aggregate classification (germline): Likely benign. Review status: criteria provided, multiple submitters, no conflicts (2 of 4 stars). 3 submissions from 3 submitters: Likely benign (3). Last evaluated 2025-09-15.

Conditions:
GRN-related disorder. Also called: GRN-related condition; GRN-related disorders.
Neuronal ceroid lipofuscinosis 11. Also called: GRN-Related Neuronal Ceroid-Lipofuscinosis. Identifiers: Orphanet 314629, Orphanet 79262, MedGen C3539123, MONDO:0013866, OMIM 614706.
GRN-related frontotemporal lobar degeneration with Tdp43 inclusions (FTD2). Also called: DEMENTIA, HEREDITARY DYSPHASIC DISINHIBITION; GRN Frontotemporal Dementia; FRONTOTEMPORAL LOBAR DEGENERATION WITH UBIQUITIN-POSITIVE INCLUSIONS; FTLD-TDP, GRN-RELATED; FRONTOTEMPORAL DEMENTIA WITH TDP43 INCLUSIONS, GRN-RELATED. Identifiers: Orphanet 100070, Orphanet 282, MedGen C1843792, MONDO:0011842, OMIM 607485. Disease mechanism: loss of function.

Allele frequency attached by ClinVar (database versions not stated): gnomAD exomes below 0.00001 and 0.00002; ExAC 0.00003; TOPMed 0.00006; ESP Exome Variant Server 0.00008; gnomAD 0.00010.
gnomAD v4.1: 17 of 1,606,248 alleles (0.0011%); highest among the groups gnomAD compares: African/African-American, 0.023%; no homozygotes.

Submissions (3):

Labcorp Genetics (formerly Invitae), Labcorp
Classification: Likely benign for Neuronal ceroid lipofuscinosis 11; GRN-related frontotemporal lobar degeneration with Tdp43 inclusions. Last evaluated: 2025-09-15. Review status: criteria provided, single submitter. Criteria: Invitae Variant Classification Sherloc (09022015). Collection method: clinical testing. Allele origin: germline.

Women's Health and Genetics/Laboratory Corporation of America, LabCorp
Classification: Likely benign. Last evaluated: 2025-04-30. Review status: criteria provided, single submitter. Criteria: LabCorp Variant Classification Summary - May 2015. Collection method: clinical testing. Allele origin: germline.

PreventionGenetics, part of Exact Sciences
Classification: Likely benign for GRN-related condition. Last evaluated: 2025-02-26. Review status: criteria provided, single submitter. Criteria: ACMG Guidelines, 2015. Collection method: clinical testing. Allele origin: germline.
Comment: This variant is classified as likely benign based on ACMG/AMP sequence variant interpretation guidelines (Richards et al. 2015 PMID: 25741868, with internal and published modifications).

NM_002087.4(GRN):c.836-8C>T

Gene: GRN (granulin precursor; plus strand). Cytogenetic location: 17q21.31.
Variant type: single nucleotide variant.
Coding change: c.836-8C>T on transcript NM_002087.4 (MANE Select); 8 bases into the intron before coding-DNA position 836, C replaced by T.
Molecular consequence: intron variant.
Genome position (GRCh38, 1-based): chr17:44,351,355, C>T. VCF-style: chr17-44351355-C-T. GRCh37 (hg19) VCF-style: chr17-42428723-C-T.
Other names: c.836-8C>T (NM_002087.3).
Identifiers: ClinVar variation 1100345 (VCV001100345.13), dbSNP rs376226985, ClinGen allele CA8602043.
Genomic context (GRCh38, chr17:44,351,355, plus strand): 5'-GCAAAGGGTTGATACCCCTGAGGGTCCCCAGTGCCACTTCTGACCTGTCCTCTCTGCTTC[C>T]CTCACAGTGGGGGATGTGAAATGTGACATGGAGGTGAGCTGCCCAGATGGCTATACCTGC-3'